The following is an entry in ClinVar:

ClinVar aggregate classification (germline): Uncertain significance. Review status: criteria provided, multiple submitters, no conflicts (2 of 4 stars). 2 submissions from 2 submitters: Uncertain significance (2). Last evaluated 2025-09-16.

Allele frequency attached by ClinVar (database versions not stated): ExAC 0.00002; TOPMed 0.00002.
gnomAD v4.1: 16 of 1,613,844 alleles (0.00099%); highest among the groups gnomAD compares: Admixed American, 0.0017%; no homozygotes.

Submissions (2):

Labcorp Genetics (formerly Invitae), Labcorp
Classification: Uncertain significance. Last evaluated: 2025-09-16. Review status: criteria provided, single submitter. Criteria: Invitae Variant Classification Sherloc (09022015). Collection method: clinical testing. Allele origin: germline.
Comment: This sequence change replaces asparagine, which is neutral and polar, with serine, which is neutral and polar, at codon 36 of the TOP2B protein (p.Asn36Ser). This variant is present in population databases (rs780918375, gnomAD 0.01%). This variant has not been reported in the literature in individuals affected with TOP2B-related conditions. ClinVar contains an entry for this variant (Variation ID: 2969251). An algorithm developed to predict the effect of missense changes on protein structure and function (PolyPhen-2) suggests that this variant is likely to be tolerated. In summary, the available evidence is currently insufficient to determine the role of this variant in disease. Therefore, it has been classified as a Variant of Uncertain Significance.

Ambry Genetics
Classification: Uncertain significance. Last evaluated: 2025-02-12. Review status: criteria provided, single submitter. Criteria: Ambry Variant Classification Scheme 2023. Collection method: clinical testing. Allele origin: germline.

NM_001330700.2(TOP2B):c.122A>G (p.Asn41Ser)

Gene: TOP2B (DNA topoisomerase II beta; minus strand). Cytogenetic location: 3p24.2.
Variant type: single nucleotide variant.
Coding change: c.122A>G on transcript NM_001330700.2 (MANE Select); coding-DNA position 122, A replaced by G.
Protein change: p.Asn41Ser; replaces asparagine 41 with serine.
Molecular consequence: missense variant.
Genome position (GRCh38, 1-based): chr3:25,645,418, T>C on the plus strand (A>G on the coding strand, the complement: TOP2B is on the minus strand). VCF-style: chr3-25645418-T-C. GRCh37 (hg19) VCF-style: chr3-25686909-T-C.
Other names: c.107A>G, p.Asn36Ser (NM_001068.3); c.107A>G (NM_001068.2); short protein forms N36S, N41S.
Identifiers: ClinVar variation 2969251 (VCV002969251.4), dbSNP rs780918375, ClinGen allele CA2288975.